The following is an entry in ClinVar:

ClinVar aggregate classification (germline): Likely benign. Review status: criteria provided, multiple submitters, no conflicts (2 of 4 stars). 8 submissions from 8 submitters: Likely benign (7). 1 of the submissions does not count toward it. Last evaluated 2026-01-26.

Conditions:
MUTYH-related disorder. Also called: MUTYH-related condition; MUTYH-related disorders.
Hereditary cancer-predisposing syndrome. Also called: Neoplastic Syndromes, Hereditary; Tumor predisposition; Hereditary neoplastic syndrome; Hereditary Cancer Syndrome. Identifiers: Orphanet 140162, MedGen C0027672, MeSH D009386, MONDO:0015356.
Familial adenomatous polyposis 2. Also called: MUTYH Polyposis; ADENOMAS, MULTIPLE COLORECTAL, AUTOSOMAL RECESSIVE; MYH-associated polyposis; FAP type 2; Adenomas, multiple colorectal; MUTYH-related attenuated familial adenomatous polyposis. Identifiers: Orphanet 220460, Orphanet 247798, MedGen C3272841, MONDO:0012041, OMIM 608456.

Allele frequency attached by ClinVar (database versions not stated): gnomAD exomes below 0.00001; TOPMed below 0.00001; gnomAD 0.00002.
gnomAD v4.1: 4 of 1,614,056 alleles (0.00025%); highest among the groups gnomAD compares: Non-Finnish European, 0.00034%; no homozygotes.

Submissions (8):

Labcorp Genetics (formerly Invitae), Labcorp
Classification: Likely benign for Familial adenomatous polyposis 2. Last evaluated: 2026-01-26. Review status: criteria provided, single submitter. Criteria: Invitae Variant Classification Sherloc (09022015). Collection method: clinical testing. Allele origin: germline.

PreventionGenetics, part of Exact Sciences
Classification: Likely benign for MUTYH-related condition. Last evaluated: 2025-08-13. Review status: criteria provided, single submitter. Criteria: ACMG Guidelines, 2015. Collection method: clinical testing. Allele origin: germline.
Comment: This variant is classified as likely benign based on ACMG/AMP sequence variant interpretation guidelines (Richards et al. 2015 PMID: 25741868, with internal and published modifications).

All of Us Research Program, National Institutes of Health
Classification: Likely benign for Familial adenomatous polyposis 2. Last evaluated: 2024-08-30. Review status: criteria provided, single submitter. Criteria: ACMG Guidelines, 2015. Collection method: clinical testing. Allele origin: germline. Inheritance: Autosomal recessive inheritance. Observed: 6 variant alleles, 6 heterozygotes.
Comment: This study involves interpretation of variants in research participants for the purpose of population health screening. Participant phenotype was not available at the time of variant classification. Additional details can be found in publication PMID: 35346344, PMCID: PMC8962531

Women's Health and Genetics/Laboratory Corporation of America, LabCorp
Classification: Likely benign. Last evaluated: 2022-05-12. Review status: criteria provided, single submitter. Criteria: LabCorp Variant Classification Summary - May 2015. Collection method: clinical testing. Allele origin: germline.

Color Diagnostics, LLC DBA Color Health
Classification: Likely benign for Hereditary cancer-predisposing syndrome. Last evaluated: 2018-10-19. Review status: criteria provided, single submitter. Criteria: ACMG Guidelines, 2015. Collection method: clinical testing. Allele origin: germline.

GeneDx
Classification: Likely benign. Last evaluated: 2017-07-27. Review status: criteria provided, single submitter. Criteria: GeneDx Variant Classification (06012015). Collection method: clinical testing. Allele origin: germline. Affected: yes.
Comment: This variant is considered likely benign or benign based on one or more of the following criteria: it is a conservative change, it occurs at a poorly conserved position in the protein, it is predicted to be benign by multiple in silico algorithms, and/or has population frequency not consistent with disease.

Ambry Genetics
Classification: Likely benign for Hereditary cancer-predisposing syndrome. Last evaluated: 2016-04-26. Review status: criteria provided, single submitter. Criteria: Ambry Variant Classification Scheme 2023. Collection method: clinical testing. Allele origin: germline.

Counsyl
Classification: Likely benign for Familial adenomatous polyposis 2. Last evaluated: 2015-12-13. Review status: no assertion criteria provided. Collection method: clinical testing. Allele origin: unknown. Not counted in ClinVar's aggregate classification.

NM_001048174.2(MUTYH):c.441T>C (p.Ala147=)

Gene: MUTYH (mutY DNA glycosylase; minus strand). Cytogenetic location: 1p34.1.
Variant type: single nucleotide variant.
Coding change: c.441T>C on transcript NM_001048174.2 (MANE Select); coding-DNA position 441, T replaced by C.
Protein change: p.Ala147=; no amino-acid change (alanine 147 retained).
Molecular consequence: synonymous variant. On other transcripts: non-coding transcript variant (2).
Genome position (GRCh38, 1-based): chr1:45,332,814, A>G on the plus strand (T>C on the coding strand, the complement: MUTYH is on the minus strand). VCF-style: chr1-45332814-A-G. GRCh37 (hg19) VCF-style: chr1-45798486-A-G.
Other names: c.441T>C, p.Ala147= (NM_001048171.2, NM_001048173.2, NM_001293195.2); c.444T>C, p.Ala148= (NM_001048172.2); c.525T>C, p.Ala175= (NM_001128425.2); c.486T>C, p.Ala162= (NM_001293190.2); c.474T>C, p.Ala158= (NM_001293191.2); c.165T>C, p.Ala55= (NM_001293192.2, NM_001293196.2); c.96T>C, p.Ala32= (NM_001350650.2, NM_001350651.2); c.516T>C, p.Ala172= (NM_012222.3).
Identifiers: ClinVar variation 184238 (VCV000184238.24), dbSNP rs786201352, ClinGen allele CA013746.
Genomic context (GRCh38, chr1:45,332,814, plus strand): 5'-TCCCCTTACCTTCCGAGCTCCCTCCTGCAGCCGCCGGCCACGAGAATAGTAGCCCAGGCC[A>G]GCCCAGAGTTGATTCACCTCCTGTGGGTAGGATCAGAGGTCAAAGAGATCACCCGTCAGT-3'
Protein context (NP_001041639.1, residues 137-157): ASLEEVNQLW[Ala147=]GLGYYSRGRR